The following is an entry in ClinVar:

ClinVar aggregate classification (germline): Uncertain significance (1 of 4 stars; one submission).

Submission:

Labcorp Genetics (formerly Invitae), Labcorp
Classification: Uncertain significance. Last evaluated: 2025-11-27. Review status: criteria provided, single submitter. Criteria: Invitae Variant Classification Sherloc (09022015). Collection method: clinical testing. Allele origin: germline.
Comment: This sequence change falls in intron 9 of the GNB3 gene. It does not directly change the encoded amino acid sequence of the GNB3 protein. This variant is not present in population databases (gnomAD no frequency). This variant has not been reported in the literature in individuals affected with GNB3-related conditions. Algorithms developed to predict the effect of sequence changes on RNA splicing suggest that this variant may disrupt the consensus splice site. In summary, the available evidence is currently insufficient to determine the role of this variant in disease. Therefore, it has been classified as a Variant of Uncertain Significance.

NM_002075.4(GNB3):c.917-6C>A

Genes: CDCA3 (cell division cycle associated 3; minus strand), GNB3 (G protein subunit beta 3; plus strand). Cytogenetic location: 12p13.31.
Variant type: single nucleotide variant.
Coding change: c.917-6C>A on transcript NM_002075.4 (MANE Select); 6 bases into the intron before coding-DNA position 917, C replaced by A.
Molecular consequence: intron variant. On other transcripts: 3 prime UTR variant (1).
Genome position (GRCh38, 1-based): chr12:6,846,786, C>A. VCF-style: chr12-6846786-C-A. GRCh37 (hg19) VCF-style: chr12-6955950-C-A.
Other names: c.*2G>T (NM_001297603.3); c.914-6C>A (NM_001297571.2).
Identifiers: ClinVar variation 4732134 (VCV004732134.1).